The following is an entry in ClinVar:

NM_002972.4(SBF1):c.5542A>G (p.Met1848Val)

Gene: SBF1 (SET binding factor 1; minus strand). Cytogenetic location: 22q13.33.
Variant type: single nucleotide variant.
Coding change: c.5542A>G on transcript NM_002972.4 (MANE Select); coding-DNA position 5542, A replaced by G.
Protein change: p.Met1848Val; replaces methionine 1848 with valine.
Molecular consequence: missense variant.
Genome position (GRCh38, 1-based): chr22:50,447,363, T>C on the plus strand (A>G on the coding strand, the complement: SBF1 is on the minus strand). VCF-style: chr22-50447363-T-C. GRCh37 (hg19) VCF-style: chr22-50885792-T-C.
Other names: c.5467A>G, p.Met1823Val (NM_001365819.1); short protein forms M1823V, M1848V.
Identifiers: ClinVar variation 1314624 (VCV001314624.5), dbSNP rs780599337, ClinGen allele CA10315797.
Genomic context (GRCh38, chr22:50,447,363, plus strand): 5'-AGCCCCGGCCAAGGCTCACGTCAAAGAAGGCCTTCTCGTCCACAGTCTTAGGGGCACCCA[T>C]AGTGGGCGTGCCAGGTGCCACAGCCTCCACCTCCGCCAAGTCGATGACACCCTTGCACTC-3'
Protein context (NP_002963.2, residues 1838-1858): VEAVAPGTPT[Met1848Val]GAPKTVDEKA

ClinVar aggregate classification (germline): Uncertain significance. Review status: criteria provided, multiple submitters, no conflicts (2 of 4 stars). 3 submissions from 3 submitters: Uncertain significance (3). Last evaluated 2025-09-26.

Allele frequency attached by ClinVar (database versions not stated): TOPMed 0.00003; ExAC 0.00011; gnomAD 0.00002; gnomAD exomes 0.00008 and 0.00004.

Submissions (3):

Ambry Genetics
Classification: Uncertain significance. Last evaluated: 2025-09-26. Review status: criteria provided, single submitter. Criteria: Ambry Variant Classification Scheme 2023. Collection method: clinical testing. Allele origin: germline.

Labcorp Genetics (formerly Invitae), Labcorp
Classification: Uncertain significance. Last evaluated: 2025-01-06. Review status: criteria provided, single submitter. Criteria: Invitae Variant Classification Sherloc (09022015). Collection method: clinical testing. Allele origin: germline.
Comment: This sequence change replaces methionine, which is neutral and non-polar, with valine, which is neutral and non-polar, at codon 1848 of the SBF1 protein (p.Met1848Val). This variant is present in population databases (rs780599337, gnomAD 0.02%). This variant has not been reported in the literature in individuals affected with SBF1-related conditions. ClinVar contains an entry for this variant (Variation ID: 1314624). Invitae Evidence Modeling of protein sequence and biophysical properties (such as structural, functional, and spatial information, amino acid conservation, physicochemical variation, residue mobility, and thermodynamic stability) indicates that this missense variant is not expected to disrupt SBF1 protein function with a negative predictive value of 80%. In summary, the available evidence is currently insufficient to determine the role of this variant in disease. Therefore, it has been classified as a Variant of Uncertain Significance.

GeneDx
Classification: Uncertain significance. Last evaluated: 2021-04-15. Review status: criteria provided, single submitter. Criteria: GeneDx Variant Classification Process June 2021. Collection method: clinical testing. Allele origin: germline. Affected: yes.
Comment: Not observed at a significant frequency in large population cohorts (Lek et al., 2016); In silico analysis supports that this missense variant does not alter protein structure/function; Has not been previously published as pathogenic or benign to our knowledge